The following is an entry in ClinVar:

ClinVar aggregate classification (germline): Benign/Likely benign. Review status: criteria provided, multiple submitters, no conflicts (2 of 4 stars). 10 submissions from 10 submitters: Benign (2); Likely benign (8). Last evaluated 2026-01-19.

Conditions:
Hereditary nonpolyposis colorectal neoplasms. Identifiers: MedGen C0009405, MeSH D003123.
Breast and/or ovarian cancer. Identifiers: MedGen CN221562.
Hereditary cancer-predisposing syndrome. Also called: Tumor predisposition; Hereditary neoplastic syndrome; Hereditary Cancer Syndrome; Neoplastic Syndromes, Hereditary. Identifiers: Orphanet 140162, MedGen C0027672, MeSH D009386, MONDO:0015356.
Lynch syndrome. Identifiers: Orphanet 144, MedGen C4552100, MONDO:0005835. Disease mechanism: loss of function.
Lynch syndrome 4 (LYNCH4). Also called: Hereditary non-polyposis colorectal cancer, type 4; Colorectal cancer, hereditary nonpolyposis, type 4. Identifiers: Orphanet 144, MedGen C1838333, MONDO:0013699, OMIM 614337. Disease mechanism: loss of function.

Allele frequency attached by ClinVar (database versions not stated): gnomAD 0.00001; gnomAD exomes 0.00001; TOPMed 0.00001.
gnomAD v4.1: 13 of 1,614,070 alleles (0.00081%); highest among the groups gnomAD compares: East Asian, 0.0089%; no homozygotes.

Submissions (10):

Labcorp Genetics (formerly Invitae), Labcorp
Classification: Likely benign for Hereditary nonpolyposis colorectal neoplasms. Last evaluated: 2026-01-19. Review status: criteria provided, single submitter. Criteria: Invitae Variant Classification Sherloc (09022015). Collection method: clinical testing. Allele origin: germline.

Myriad Genetics, Inc.
Classification: Benign for Lynch syndrome 4. Last evaluated: 2025-01-30. Review status: criteria provided, single submitter. Criteria: Myriad Autosomal Dominant, Autosomal Recessive and X-Linked Classification Criteria (2023). Collection method: clinical testing. Allele origin: unknown.
Comment: This variant is considered benign. This variant is a silent/synonymous amino acid change and it is not expected to impact splicing.

All of Us Research Program, National Institutes of Health
Classification: Likely benign for Lynch syndrome. Last evaluated: 2024-02-05. Review status: criteria provided, single submitter. Criteria: ACMG Guidelines, 2015. Collection method: clinical testing. Allele origin: germline. Inheritance: Autosomal dominant inheritance. Observed: 5 variant alleles, 5 heterozygotes.
Comment: This study involves interpretation of variants in research participants for the purpose of population health screening. Participant phenotype was not available at the time of variant classification. Additional details can be found in publication PMID: 35346344, PMCID: PMC8962531

CeGaT Center for Human Genetics Tuebingen
Classification: Likely benign. Last evaluated: 2023-06-01. Review status: criteria provided, single submitter. Criteria: CeGaT Center For Human Genetics Tuebingen Variant Classification Criteria Version 2. Collection method: clinical testing. Allele origin: germline. Affected: yes. Observed: 1 variant allele.
Comment: PMS2: BP4, BP7

Blueprint Genetics
Classification: Likely benign. Last evaluated: 2022-05-13. Review status: criteria provided, single submitter. Criteria: ACMG Guidelines, 2015. Collection method: clinical testing. Allele origin: germline.

CHEO Genetics Diagnostic Laboratory, Children's Hospital of Eastern Ontario
Classification: Likely benign for Breast and/or ovarian cancer. Last evaluated: 2021-12-07. Review status: criteria provided, single submitter. Criteria: ACMG Guidelines, 2015. Collection method: clinical testing. Allele origin: germline.

Women's Health and Genetics/Laboratory Corporation of America, LabCorp
Classification: Likely benign. Last evaluated: 2020-08-03. Review status: criteria provided, single submitter. Criteria: LabCorp Variant Classification Summary - May 2015. Collection method: clinical testing. Allele origin: germline.

Color Diagnostics, LLC DBA Color Health
Classification: Likely benign for Hereditary cancer-predisposing syndrome. Last evaluated: 2018-03-29. Review status: criteria provided, single submitter. Criteria: ACMG Guidelines, 2015. Collection method: clinical testing. Allele origin: germline.

Ambry Genetics
Classification: Likely benign for Hereditary cancer-predisposing syndrome. Last evaluated: 2015-12-15. Review status: criteria provided, single submitter. Criteria: Ambry Variant Classification Scheme 2023. Collection method: clinical testing. Allele origin: germline.

GeneDx
Classification: Benign. Last evaluated: 2015-05-08. Review status: criteria provided, single submitter. Criteria: GeneDx Variant Classification Process June 2021. Collection method: clinical testing. Allele origin: germline. Affected: yes.

NM_000535.7(PMS2):c.1368T>C (p.Ser456=)

Gene: PMS2 (PMS1 homolog 2, mismatch repair system component; minus strand). Cytogenetic location: 7p22.1.
Variant type: single nucleotide variant.
Coding change: c.1368T>C on transcript NM_000535.7 (MANE Select); coding-DNA position 1368, T replaced by C.
Protein change: p.Ser456=; no amino-acid change (serine 456 retained).
Molecular consequence: synonymous variant. On other transcripts: non-coding transcript variant (1).
Genome position (GRCh38, 1-based): chr7:5,987,397, A>G on the plus strand (T>C on the coding strand, the complement: PMS2 is on the minus strand). VCF-style: chr7-5987397-A-G. GRCh37 (hg19) VCF-style: chr7-6027028-A-G.
Other names: c.963T>C, p.Ser321= (NM_001322003.2, NM_001322004.2, NM_001322005.2 and 1 more transcripts); c.1212T>C, p.Ser404= (NM_001322006.2); c.1050T>C, p.Ser350= (NM_001322007.2, NM_001322008.2); c.807T>C, p.Ser269= (NM_001322010.2); c.435T>C, p.Ser145= (NM_001322011.2, NM_001322012.2); c.795T>C, p.Ser265= (NM_001322013.2); c.1368T>C, p.Ser456= (NM_001322014.2); c.1059T>C, p.Ser353= (NM_001322015.2).
Identifiers: ClinVar variation 135935 (VCV000135935.51), dbSNP rs587780723, ClinGen allele CA009563.